The following is an entry in ClinVar:

ClinVar aggregate classification (germline): Uncertain significance (1 of 4 stars; one submission).

Allele frequency attached by ClinVar (database versions not stated): TOPMed below 0.00001; gnomAD exomes 0.00002.

Submission:

Labcorp Genetics (formerly Invitae), Labcorp
Classification: Uncertain significance. Last evaluated: 2023-09-05. Review status: criteria provided, single submitter. Criteria: Invitae Variant Classification Sherloc (09022015). Collection method: clinical testing. Allele origin: germline.
Comment: In summary, the available evidence is currently insufficient to determine the role of this variant in disease. Therefore, it has been classified as a Variant of Uncertain Significance. Variants that disrupt the consensus splice site are a relatively common cause of aberrant splicing (PMID: 17576681, 9536098). Algorithms developed to predict the effect of sequence changes on RNA splicing suggest that this variant may disrupt the consensus splice site. ClinVar contains an entry for this variant (Variation ID: 2175373). This variant has been observed in at least one individual who was not affected with TNFAIP3-related conditions (Invitae). This variant has not been reported in the literature in individuals affected with TNFAIP3-related conditions. This variant is not present in population databases (gnomAD no frequency). This sequence change falls in intron 4 of the TNFAIP3 gene. It does not directly change the encoded amino acid sequence of the TNFAIP3 protein. It affects a nucleotide within the consensus splice site.

Literature cited by the submitters: PubMed 17576681; PubMed 9536098.

NM_001270508.2(TNFAIP3):c.634+6A>T

Genes: TNFAIP3 (TNF alpha induced protein 3; plus strand), LOC126859807 (MED14-independent group 3 enhancer GRCh37_chr6:138196296-138197495; plus strand). Cytogenetic location: 6q23.3.
Variant type: single nucleotide variant.
Coding change: c.634+6A>T on transcript NM_001270508.2 (MANE Select); 6 bases into the intron after coding-DNA position 634, A replaced by T.
Molecular consequence: intron variant.
Genome position (GRCh38, 1-based): chr6:137,875,841, A>T. VCF-style: chr6-137875841-A-T. GRCh37 (hg19) VCF-style: chr6-138196978-A-T.
Other names: c.634+6A>T (NM_001270507.2, NM_006290.4).
Identifiers: ClinVar variation 2175373 (VCV002175373.4), dbSNP rs1245195137, ClinGen allele CA819595426.
Genomic context (GRCh38, chr6:137,875,841, plus strand): 5'-ATACACATATTTGTCCTTTGCAACATCCTCAGAAGGCCAATCATTGTCATTTCAGGTGAG[A>T]TGCCTGCAGATCACGGATCTGTACTTAAATGCTTTCAGCCTTATGCCTTGGCTCCTGGAG-3'